The following is an entry in ClinVar:

NM_000352.6(ABCC8):c.2270C>G (p.Thr757Arg)

Gene: ABCC8 (ATP binding cassette subfamily C member 8; minus strand). Cytogenetic location: 11p15.1.
Variant type: single nucleotide variant.
Coding change: c.2270C>G on transcript NM_000352.6 (MANE Select); coding-DNA position 2270, C replaced by G.
Protein change: p.Thr757Arg; replaces threonine 757 with arginine.
Molecular consequence: missense variant. On other transcripts: non-coding transcript variant (1).
Genome position (GRCh38, 1-based): chr11:17,415,325, G>C on the plus strand (C>G on the coding strand, the complement: ABCC8 is on the minus strand). VCF-style: chr11-17415325-G-C. GRCh37 (hg19) VCF-style: chr11-17436872-G-C.
Other names: c.2273C>G, p.Thr758Arg (NM_001287174.3); c.2336C>G, p.Thr779Arg (NM_001351295.2); c.2270C>G, p.Thr757Arg (NM_001351296.2); c.2267C>G, p.Thr756Arg (NM_001351297.2); c.2270C>G (NM_000352.3, NM_000352.4); short protein forms T756R, T757R, T758R, T779R.
Identifiers: ClinVar variation 1533896 (VCV001533896.13), dbSNP rs757961130, ClinGen allele CA5903228.

ClinVar aggregate classification (germline): Conflicting classifications of pathogenicity. Review status: criteria provided, conflicting classifications (1 of 4 stars). 5 submissions from 5 submitters: Uncertain significance (2); Likely benign (2). 1 of the submissions does not count toward it. Last evaluated 2024-07-02.

Conditions:
ABCC8-related disorder.
Leucine-induced hypoglycemia (LIH). Also called: LEUCINE-SENSITIVE HYPOGLYCEMIA OF INFANCY. Identifiers: MedGen C0271714, MONDO:0009415, OMIM 240800.
Diabetes mellitus, transient neonatal, 2 (TNDM2). Identifiers: Orphanet 99886, MedGen C1835887, MONDO:0012480, OMIM 610374. Disease mechanism: loss of function.
Type 2 diabetes mellitus. Also called: Type II diabetes mellitus. Identifiers: MedGen C0011860, MeSH D003924, MONDO:0005148, OMIM 125853, HP:0005978.
Hyperinsulinemic hypoglycemia, familial, 1 (HHF1). Also called: Persistent hyperinsulinemic hypoglycemia of infancy; HYPERINSULINISM, FAMILIAL, WITH PANCREATIC NESIDIOBLASTOSIS; HYPOGLYCEMIA, HYPERINSULINEMIC, OF INFANCY; NESIDIOBLASTOSIS OF PANCREAS; Persistent Hyperinsulinemia Hypoglycemia of Infancy. Identifiers: Orphanet 276575, Orphanet 276598, MedGen C2931832, MONDO:0009734, OMIM 256450.
Diabetes mellitus, permanent neonatal 3. Also called: ABCC8-Related Permanent Neonatal Diabetes Mellitus. Identifiers: MedGen C5394303, MONDO:0030088, OMIM 618857.

Allele frequency attached by ClinVar (database versions not stated): gnomAD exomes 0.00004 and 0.00010; TOPMed 0.00004; ExAC 0.00007; gnomAD 0.00001.
gnomAD v4.1: 26 of 1,610,612 alleles (0.0016%); highest among the groups gnomAD compares: Admixed American, 0.044%; no homozygotes.

Submissions (5):

Labcorp Genetics (formerly Invitae), Labcorp
Classification: Likely benign. Last evaluated: 2024-07-02. Review status: criteria provided, single submitter. Criteria: Invitae Variant Classification Sherloc (09022015). Collection method: clinical testing. Allele origin: germline.

Fulgent Genetics
Classification: Uncertain significance for Type 2 diabetes mellitus; Leucine-induced hypoglycemia; Hyperinsulinemic hypoglycemia, familial, 1; Diabetes mellitus, transient neonatal, 2; Diabetes mellitus, permanent neonatal 3. Last evaluated: 2024-05-02. Review status: criteria provided, single submitter. Criteria: ACMG Guidelines, 2015. Collection method: clinical testing. Allele origin: germline.

GeneDx
Classification: Uncertain significance. Last evaluated: 2024-04-30. Review status: criteria provided, single submitter. Criteria: GeneDx Variant Classification Process June 2021. Collection method: clinical testing. Allele origin: germline. Affected: yes.
Comment: In silico analysis indicates that this missense variant does not alter protein structure/function; Has not been previously published as pathogenic or benign to our knowledge

Breakthrough Genomics
Classification: Likely benign. Review status: criteria provided, single submitter. Criteria: ACMG Guidelines, 2015. Collection method: not provided. Allele origin: germline. Inheritance: Autosomal recessive inheritance. Affected: yes.

PreventionGenetics, part of Exact Sciences
Classification: Uncertain significance for ABCC8-related condition. Last evaluated: 2024-02-26. Review status: no assertion criteria provided. Collection method: clinical testing. Allele origin: germline. Not counted in ClinVar's aggregate classification.
Comment: The ABCC8 c.2270C>G variant is predicted to result in the amino acid substitution p.Thr757Arg. To our knowledge, this variant has not been reported in the literature. This variant is reported in 0.074% of alleles in individuals of Latino descent in gnomAD. At this time, the clinical significance of this variant is uncertain due to the absence of conclusive functional and genetic evidence.